The following is an entry in ClinVar:

ClinVar aggregate classification (germline): Pathogenic (1 of 4 stars; one submission).

Conditions:
Peutz-Jeghers syndrome (PJS). Also called: POLYPOSIS, HAMARTOMATOUS INTESTINAL; POLYPS-AND-SPOTS SYNDROME; Peutz-Jeghers polyposis; Periorificial lentiginosis syndrome. Identifiers: Orphanet 2869, MedGen C0031269, MeSH D010580, MONDO:0008280, OMIM 175200.

Submission:

Labcorp Genetics (formerly Invitae), Labcorp
Classification: Pathogenic for Peutz-Jeghers syndrome. Last evaluated: 2025-08-06. Review status: criteria provided, single submitter. Criteria: Invitae Variant Classification Sherloc (09022015). Collection method: clinical testing. Allele origin: germline.
Comment: This variant results in the deletion of exon 7 and part of exon 6 (c.748_920+123del) of the STK11 gene. It is expected to disrupt RNA splicing. Variants that disrupt the donor or acceptor splice site typically lead to a loss of protein function (PMID: 16199547), and loss-of-function variants in STK11 are known to be pathogenic (PMID: 15188174, 16287113). This variant is not present in population databases (gnomAD no frequency). This variant has not been reported in the literature in individuals affected with STK11-related conditions. This variant disrupts a region of the STK11 protein in which other variant(s) (p.Gly251Val) have been determined to be pathogenic (internal data). This suggests that this is a clinically significant region of the protein, and that variants that disrupt it are likely to be disease-causing. For these reasons, this variant has been classified as Pathogenic.

Literature cited by the submitters: PubMed 16199547; PubMed 15188174; PubMed 16287113.

NM_000455.5(STK11):c.748_920+123del

Gene: STK11 (serine/threonine kinase 11; plus strand). Cytogenetic location: 19p13.3.
Variant type: Deletion.
Coding change: c.748_920+123del on transcript NM_000455.5 (MANE Select); coding-DNA position 748 through 123 bases into the intron after coding-DNA position 920, 904 bases deleted.
Molecular consequence: splice acceptor variant, splice donor variant.
Genome position (GRCh38, 1-based): chr19:1,221,226-1,222,129, 904 bases deleted. GRCh37 (hg19): chr19:1,221,225-1,222,128.
Other names: c.748_920+123del (NM_001407255.1).
Identifiers: ClinVar variation 4724966 (VCV004724966.1).